The following is an entry in ClinVar:

ClinVar aggregate classification (germline): Uncertain significance. Review status: criteria provided, multiple submitters, no conflicts (2 of 4 stars). 3 submissions from 3 submitters: Uncertain significance (3). Last evaluated 2024-12-17.

Conditions:
Hereditary cancer-predisposing syndrome. Also called: Tumor predisposition; Hereditary neoplastic syndrome; Neoplastic Syndromes, Hereditary; Hereditary Cancer Syndrome. Identifiers: Orphanet 140162, MedGen C0027672, MeSH D009386, MONDO:0015356.
Ataxia-telangiectasia syndrome (AT). Also called: Ataxia-telangiectasia, complementation group D; AT, COMPLEMENTATION GROUP C; ATAXIA-TELANGIECTASIA, COMPLEMENTATION GROUP A; ATAXIA-TELANGIECTASIA, FRESNO VARIANT; Ataxia-telangiectasia; LOUIS-BAR SYNDROME. Identifiers: Orphanet 100, MedGen C0004135, MONDO:0008840, OMIM 208900.

Submissions (3):

Labcorp Genetics (formerly Invitae), Labcorp
Classification: Uncertain significance for Ataxia-telangiectasia syndrome. Last evaluated: 2024-12-17. Review status: criteria provided, single submitter. Criteria: Invitae Variant Classification Sherloc (09022015). Collection method: clinical testing. Allele origin: germline.
Comment: This sequence change replaces glutamic acid, which is acidic and polar, with lysine, which is basic and polar, at codon 2221 of the ATM protein (p.Glu2221Lys). This variant is not present in population databases (gnomAD no frequency). This variant has not been reported in the literature in individuals affected with ATM-related conditions. ClinVar contains an entry for this variant (Variation ID: 659952). Invitae Evidence Modeling of protein sequence and biophysical properties (such as structural, functional, and spatial information, amino acid conservation, physicochemical variation, residue mobility, and thermodynamic stability) indicates that this missense variant is expected to disrupt ATM protein function with a positive predictive value of 80%. In summary, the available evidence is currently insufficient to determine the role of this variant in disease. Therefore, it has been classified as a Variant of Uncertain Significance.

Ambry Genetics
Classification: Uncertain significance for Hereditary cancer-predisposing syndrome. Last evaluated: 2024-06-14. Review status: criteria provided, single submitter. Criteria: Ambry Variant Classification Scheme 2023. Collection method: clinical testing. Allele origin: germline.
Comment: The p.E2221K variant (also known as c.6661G>A), located in coding exon 45 of the ATM gene, results from a G to A substitution at nucleotide position 6661. The glutamic acid at codon 2221 is replaced by lysine, an amino acid with similar properties. This amino acid position is highly conserved in available vertebrate species. In addition, this alteration is predicted to be deleterious by in silico analysis. Based on the available evidence, the clinical significance of this variant remains unclear.

Color Diagnostics, LLC DBA Color Health
Classification: Uncertain significance for Hereditary cancer-predisposing syndrome. Last evaluated: 2023-12-05. Review status: criteria provided, single submitter. Criteria: ACMG Guidelines, 2015. Collection method: clinical testing. Allele origin: germline.
Comment: This missense variant replaces glutamic acid with lysine at codon 2221 of the ATM protein. Computational prediction is inconclusive regarding the impact of this variant on protein structure and function (internally defined REVEL score threshold 0.5 < inconclusive < 0.7, PMID: 27666373). To our knowledge, functional studies have not been reported for this variant. This variant has not been reported in individuals affected with ATM-related disorders in the literature. This variant has not been identified in the general population by the Genome Aggregation Database (gnomAD). The available evidence is insufficient to determine the role of this variant in disease conclusively. Therefore, this variant is classified as a Variant of Uncertain Significance.

NM_000051.4(ATM):c.6661G>A (p.Glu2221Lys)

Genes: ATM (ATM serine/threonine kinase; plus strand), C11orf65 (chromosome 11 open reading frame 65; minus strand). Cytogenetic location: 11q22.3.
Variant type: single nucleotide variant.
Coding change: c.6661G>A on transcript NM_000051.4 (MANE Select); coding-DNA position 6661, G replaced by A.
Protein change: p.Glu2221Lys; replaces glutamic acid 2221 with lysine.
Molecular consequence: missense variant. On other transcripts: intron variant (2).
Genome position (GRCh38, 1-based): chr11:108,325,398, G>A. VCF-style: chr11-108325398-G-A. GRCh37 (hg19) VCF-style: chr11-108196125-G-A.
Other names: c.6661G>A, p.Glu2221Lys (NM_001351834.2); c.641-16327C>T (NM_001330368.2); c.*38+9822C>T (NM_001351110.2); short protein forms E2221K.
Identifiers: ClinVar variation 659952 (VCV000659952.57), dbSNP rs1591128898, ClinGen allele CA382554846.